The following is an entry in ClinVar:

ClinVar aggregate classification (germline): Benign/Likely benign. Review status: criteria provided, multiple submitters, no conflicts (2 of 4 stars). 5 submissions from 5 submitters: Benign (3); Likely benign (1). 1 of the submissions does not count toward it. Last evaluated 2026-04-01.

Conditions:
KRT5-related disorder. Also called: KRT5-related condition.
Epidermolysis bullosa simplex. Also called: Epidermolysis bullosa simplex, Weber-Cockayne type (subtype); Epidermolysis bullosa simplex, Dowling-Meara type (subtype); Epidermolysis bullosa simplex with mottled pigmentation (subtype). Identifiers: Orphanet 304, MedGen C0079298, MONDO:0017610.

Allele frequency attached by ClinVar (database versions not stated): ExAC 0.00113; gnomAD exomes 0.00120; 1000 Genomes Project 30x 0.00031; 1000 Genomes Project 0.00040; ESP Exome Variant Server 0.00108; TOPMed 0.00111.
gnomAD v4.1: 3,324 of 1,614,200 alleles (0.21%); highest among the groups gnomAD compares: Non-Finnish European, 0.27%; 8 homozygotes.

Submissions (5):

CeGaT Center for Human Genetics Tuebingen
Classification: Likely benign. Last evaluated: 2026-04-01. Review status: criteria provided, single submitter. Criteria: CeGaT Center For Human Genetics Tuebingen Variant Classification Criteria Version 2. Collection method: clinical testing. Allele origin: germline. Affected: yes. Observed: 2 variant alleles.
Comment: KRT5: BP4, BP7

Labcorp Genetics (formerly Invitae), Labcorp
Classification: Benign. Last evaluated: 2026-01-15. Review status: criteria provided, single submitter. Criteria: Invitae Variant Classification Sherloc (09022015). Collection method: clinical testing. Allele origin: germline.

Illumina Laboratory Services, Illumina
Classification: Benign for Epidermolysis bullosa simplex. Last evaluated: 2018-01-13. Review status: criteria provided, single submitter. Criteria: ICSL Variant Classification Criteria 13 December 2019. Collection method: clinical testing. Allele origin: germline.
Comment: This variant was observed in the ICSL laboratory as part of a predisposition screen in an ostensibly healthy population. It had not been previously curated by ICSL or reported in the Human Gene Mutation Database (HGMD: prior to June 1st, 2018), and was therefore a candidate for classification through an automated scoring system. Utilizing variant allele frequency, disease prevalence and penetrance estimates, and inheritance mode, an automated score was calculated to assess if this variant is too frequent to cause the disease. Based on the score and internal cut-off values, a variant classified as benign is not then subjected to further curation. The score for this variant resulted in a classification of benign for this disease.

Breakthrough Genomics
Classification: Benign. Review status: criteria provided, single submitter. Criteria: ACMG Guidelines, 2015. Collection method: not provided. Allele origin: germline. Inheritance: Autosomal recessive inheritance. Affected: yes.

PreventionGenetics, part of Exact Sciences
Classification: Likely benign for KRT5-related condition. Last evaluated: 2023-12-15. Review status: no assertion criteria provided. Collection method: clinical testing. Allele origin: germline. Not counted in ClinVar's aggregate classification.
Comment: This variant is classified as likely benign based on ACMG/AMP sequence variant interpretation guidelines (Richards et al. 2015 PMID: 25741868, with internal and published modifications).

NM_000424.4(KRT5):c.1236C>T (p.Asn412=)

Genes: KRT5 (keratin 5; minus strand), LOC126861525 (BRD4-independent group 4 enhancer GRCh37_chr12:52909857-52911056; plus strand). Cytogenetic location: 12q13.13.
Variant type: single nucleotide variant.
Coding change: c.1236C>T on transcript NM_000424.4 (MANE Select); coding-DNA position 1236, C replaced by T.
Protein change: p.Asn412=; no amino-acid change (asparagine 412 retained).
Molecular consequence: synonymous variant.
Genome position (GRCh38, 1-based): chr12:52,516,840, G>A on the plus strand (C>T on the coding strand, the complement: KRT5 is on the minus strand). VCF-style: chr12-52516840-G-A. GRCh37 (hg19) VCF-style: chr12-52910624-G-A.
Identifiers: ClinVar variation 309560 (VCV000309560.35), dbSNP rs144359915, ClinGen allele CA6582575.